The following is an entry in ClinVar:

NM_000492.4:c.(273+1_274-1)_(1584+1_1585-1)del

Gene: CFTR (CF transmembrane conductance regulator; plus strand).
Variant type: Deletion.
Other names: CFTR40kbdel4-10; c.(273+1_274-1)_(1584+1_1585-1)del (NM_000492.4).
Identifiers: ClinVar variation 1706079 (VCV001706079.1).

ClinVar aggregate classification (germline): Pathogenic (1 of 4 stars; one submission).

Conditions:
Cystic fibrosis (CF). Also called: MUCOVISCIDOSIS. Identifiers: Orphanet 586, MedGen C0010674, MONDO:0009061, OMIM 219700. Disease mechanism: loss of function.

Submission:

Institute of Human Genetics, University of Leipzig Medical Center
Classification: Pathogenic for Cystic fibrosis. Last evaluated: 2022-09-05. Review status: criteria provided, single submitter. Criteria: ACMG Guidelines, 2015. Collection method: curation. Allele origin: unknown. Affected: yes. Observed: 1 variant allele.
Comment: The variant was classified in the context of a project re-classifying variants in the German Cystic Fibrosis Registry (Muko.e.V.). Criteria applied: PVS1_STR, PM2_SUP, PM3_STR, PP4